The following is an entry in ClinVar:

NM_017654.4(SAMD9):c.301G>T (p.Val101Leu)

Gene: SAMD9 (sterile alpha motif domain containing 9; minus strand). Cytogenetic location: 7q21.2.
Variant type: single nucleotide variant.
Coding change: c.301G>T on transcript NM_017654.4 (MANE Select); coding-DNA position 301, G replaced by T.
Protein change: p.Val101Leu; replaces valine 101 with leucine.
Molecular consequence: missense variant.
Genome position (GRCh38, 1-based): chr7:93,105,797, C>A on the plus strand (G>T on the coding strand, the complement: SAMD9 is on the minus strand). VCF-style: chr7-93105797-C-A. GRCh37 (hg19) VCF-style: chr7-92735110-C-A.
Other names: c.301G>T, p.Val101Leu (NM_001193307.2); short protein forms V101L.
Identifiers: ClinVar variation 3792163 (VCV003792163.2).

ClinVar aggregate classification (germline): Conflicting classifications of pathogenicity. Review status: criteria provided, conflicting classifications (1 of 4 stars). 2 submissions from 2 submitters: Uncertain significance (1); Likely benign (1). Last evaluated 2025-03-26.

Conditions:
Inborn genetic diseases. Identifiers: MedGen C0950123, MeSH D030342.

gnomAD v4.1: 3 of 1,614,124 alleles (0.00019%); highest among the groups gnomAD compares: Admixed American, 0.005%; no homozygotes.

Submissions (2):

Labcorp Genetics (formerly Invitae), Labcorp
Classification: Uncertain significance. Last evaluated: 2025-03-26. Review status: criteria provided, single submitter. Criteria: Invitae Variant Classification Sherloc (09022015). Collection method: clinical testing. Allele origin: germline.
Comment: This sequence change replaces valine, which is neutral and non-polar, with leucine, which is neutral and non-polar, at codon 101 of the SAMD9 protein (p.Val101Leu). This variant is present in population databases (no rsID available, gnomAD 0.009%). This variant has not been reported in the literature in individuals affected with SAMD9-related conditions. Invitae Evidence Modeling of protein sequence and biophysical properties (such as structural, functional, and spatial information, amino acid conservation, physicochemical variation, residue mobility, and thermodynamic stability) indicates that this missense variant is not expected to disrupt SAMD9 protein function with a negative predictive value of 95%. In summary, the available evidence is currently insufficient to determine the role of this variant in disease. Therefore, it has been classified as a Variant of Uncertain Significance.

Ambry Genetics
Classification: Likely benign for Inborn genetic diseases. Last evaluated: 2025-03-08. Review status: criteria provided, single submitter. Criteria: Ambry Variant Classification Scheme 2023. Collection method: clinical testing. Allele origin: germline.